The following is an entry in ClinVar:

NM_001267550.2(TTN):c.54387G>A (p.Trp18129Ter)

Genes: TTN (titin; minus strand), TTN-AS1 (TTN antisense RNA 1; plus strand). Cytogenetic location: 2q31.2.
Variant type: single nucleotide variant.
Coding change: c.54387G>A on transcript NM_001267550.2 (MANE Select); coding-DNA position 54387, G replaced by A.
Protein change: p.Trp18129Ter; replaces tryptophan 18129 with a stop codon.
Molecular consequence: nonsense.
Genome position (GRCh38, 1-based): chr2:178,604,300, C>T on the plus strand (G>A on the coding strand, the complement: TTN is on the minus strand). VCF-style: chr2-178604300-C-T. GRCh37 (hg19) VCF-style: chr2-179469027-C-T.
Other names: c.49464G>A, p.Trp16488Ter (NM_001256850.1); c.27192G>A, p.Trp9064Ter (NM_003319.4); c.46683G>A, p.Trp15561Ter (NM_133378.4); c.27567G>A, p.Trp9189Ter (NM_133432.3); c.27768G>A, p.Trp9256Ter (NM_133437.4); short protein forms W18129*, W16488*, W9064*, W9256*, W15561*, W9189*.
Identifiers: ClinVar variation 664781 (VCV000664781.9), dbSNP rs1576323463, ClinGen allele CA349553237.

ClinVar aggregate classification (germline): Likely pathogenic (1 of 4 stars; one submission).

Conditions:
Dilated cardiomyopathy 1G (CMD1G). Identifiers: Orphanet 154, MedGen C1858763, MONDO:0011400, OMIM 604145.
Autosomal recessive limb-girdle muscular dystrophy type 2J (LGMDR10). Also called: MUSCULAR DYSTROPHY, LIMB-GIRDLE, AUTOSOMAL RECESSIVE 10; Limb-girdle muscular dystrophy, type 2J. Identifiers: Orphanet 140922, MedGen C1837342, MONDO:0012127, OMIM 608807.

Submission:

Labcorp Genetics (formerly Invitae), Labcorp
Classification: Likely pathogenic for Dilated cardiomyopathy 1G; Autosomal recessive limb-girdle muscular dystrophy type 2J. Last evaluated: 2018-11-06. Review status: criteria provided, single submitter. Criteria: Invitae Variant Classification Sherloc (09022015). Collection method: clinical testing. Allele origin: germline.
Comment: In summary, the currently available evidence indicates that the variant is pathogenic, but additional data are needed to prove that conclusively. Therefore, this variant has been classified as Likely Pathogenic. This variant is located in the A band of TTN (PMID: 25589632). Truncating variants in this region are significantly overrepresented in patients affected with dilated cardiomyopathy (PMID: 25589632). Truncating variants in this region have also been reported in individuals affected with autosomal recessive centronuclear myopathy (PMID: 23975875). This variant has not been reported in the literature in individuals with TTN-related disease. This variant is not present in population databases (ExAC no frequency). This sequence change results in a premature translational stop signal in the TTN gene (p.Trp18129*). While this is not anticipated to result in nonsense mediated decay, it is expected to create a truncated TTN protein.

Literature cited by the submitters: PubMed 25589632; PubMed 23975875.